The following is an entry in ClinVar:

NM_003235.5(TG):c.4463T>A (p.Leu1488Ter)

Gene: TG (thyroglobulin; plus strand). Cytogenetic location: 8q24.22.
Variant type: single nucleotide variant.
Coding change: c.4463T>A on transcript NM_003235.5 (MANE Select); coding-DNA position 4463, T replaced by A.
Protein change: p.Leu1488Ter; replaces leucine 1488 with a stop codon.
Molecular consequence: nonsense.
Genome position (GRCh38, 1-based): chr8:132,919,460, T>A. VCF-style: chr8-132919460-T-A. GRCh37 (hg19) VCF-style: chr8-133931705-T-A.
Other names: short protein forms L1488*.
Identifiers: ClinVar variation 2703225 (VCV002703225.3), dbSNP rs2490313636, ClinGen allele CA372247576.

ClinVar aggregate classification (germline): Pathogenic (1 of 4 stars; one submission).

Submission:

Labcorp Genetics (formerly Invitae), Labcorp
Classification: Pathogenic. Last evaluated: 2023-06-09. Review status: criteria provided, single submitter. Criteria: Invitae Variant Classification Sherloc (09022015). Collection method: clinical testing. Allele origin: germline.
Comment: This variant is not present in population databases (gnomAD no frequency). For these reasons, this variant has been classified as Pathogenic. This variant has not been reported in the literature in individuals affected with TG-related conditions. This sequence change creates a premature translational stop signal (p.Leu1488*) in the TG gene. It is expected to result in an absent or disrupted protein product. Loss-of-function variants in TG are known to be pathogenic (PMID: 19837936, 23164529).

Literature cited by the submitters: PubMed 19837936; PubMed 23164529.